The following is an entry in ClinVar:

NM_003906.5(MCM3AP):c.445C>T (p.Leu149=)

Gene: MCM3AP (minichromosome maintenance complex component 3 associated protein; minus strand). Cytogenetic location: 21q22.3.
Variant type: single nucleotide variant.
Coding change: c.445C>T on transcript NM_003906.5 (MANE Select); coding-DNA position 445, C replaced by T.
Protein change: p.Leu149=; no amino-acid change (leucine 149 retained).
Molecular consequence: synonymous variant.
Genome position (GRCh38, 1-based): chr21:46,284,842, G>A on the plus strand (C>T on the coding strand, the complement: MCM3AP is on the minus strand). VCF-style: chr21-46284842-G-A. GRCh37 (hg19) VCF-style: chr21-47704756-G-A.
Other names: c.445C>T (NM_003906.4).
Identifiers: ClinVar variation 3012666 (VCV003012666.5), dbSNP rs765631522, ClinGen allele CA10077342.
Genomic context (GRCh38, chr21:46,284,842, plus strand): 5'-TCTGGGTTTTCTCTGGCTCAGATTCAGCCCCCAGTATTGGTTTGAACACTGCATTTTCCA[G>A]AGGTTTAAAGCTGAATTCTGTTTTCCCAAAACCAGAGTTCACTATTTCTCCAGCTTCTTG-3'
Protein context (NP_003897.2, residues 139-159): FGKTEFSFKP[Leu149=]ENAVFKPILG

ClinVar aggregate classification (germline): Likely benign. Review status: criteria provided, single submitter (1 of 4 stars). 2 submissions from 2 submitters: Likely benign (1). 1 of the submissions does not count toward it. Last evaluated 2022-11-03.

Conditions:
MCM3AP-related disorder. Also called: MCM3AP-related condition.

Allele frequency attached by ClinVar (database versions not stated): gnomAD exomes 0.00001; ExAC 0.00003.

Submissions (2):

Labcorp Genetics (formerly Invitae), Labcorp
Classification: Likely benign. Last evaluated: 2022-11-03. Review status: criteria provided, single submitter. Criteria: Invitae Variant Classification Sherloc (09022015). Collection method: clinical testing. Allele origin: germline.

PreventionGenetics, part of Exact Sciences
Classification: Likely benign for MCM3AP-related condition. Last evaluated: 2019-11-01. Review status: no assertion criteria provided. Collection method: clinical testing. Allele origin: germline. Not counted in ClinVar's aggregate classification.
Comment: This variant is classified as likely benign based on ACMG/AMP sequence variant interpretation guidelines (Richards et al. 2015 PMID: 25741868, with internal and published modifications).